The following is an entry in ClinVar:

NM_006440.5(TXNRD2):c.928G>A (p.Asp310Asn)

Gene: TXNRD2 (thioredoxin reductase 2; minus strand). Cytogenetic location: 22q11.21.
Variant type: single nucleotide variant.
Coding change: c.928G>A on transcript NM_006440.5 (MANE Select); coding-DNA position 928, G replaced by A.
Protein change: p.Asp310Asn; replaces aspartic acid 310 with asparagine.
Molecular consequence: missense variant. On other transcripts: non-coding transcript variant (1).
Genome position (GRCh38, 1-based): chr22:19,895,428, C>T on the plus strand (G>A on the coding strand, the complement: TXNRD2 is on the minus strand). VCF-style: chr22-19895428-C-T. GRCh37 (hg19) VCF-style: chr22-19882951-C-T.
Other names: c.928G>A, p.Asp310Asn (NM_001282512.3); c.925G>A, p.Asp309Asn (NM_001352300.2); c.838G>A, p.Asp280Asn (NM_001352301.2); c.640G>A, p.Asp214Asn (NM_001352302.2); c.832G>A, p.Asp278Asn (NM_001352303.2); short protein forms D310N, D214N, D309N, D278N, D280N.
Identifiers: ClinVar variation 1766441 (VCV001766441.2), dbSNP rs2517313955, ClinGen allele CA410686367.
Genomic context (GRCh38, chr22:19,895,428, plus strand): 5'-GAGACCAGAGACAGAGCGTGTGGCTCGACGTGCCCTTACCTATGGCCCACAGGACGGTGT[C>T]AAAGGTGCCCGTGTCCTCCTTGCCGGTGGTGCTGTCCTCCCAGGTGACCTGCAGCTGGCC-3'
Protein context (NP_006431.2, residues 300-320): TTGKEDTGTF[Asp310Asn]TVLWAIGRVP

ClinVar aggregate classification (germline): Uncertain significance (1 of 4 stars; one submission).

Conditions:
Cardiovascular phenotype. Identifiers: MedGen CN230736.

Submission:

Ambry Genetics
Classification: Uncertain significance for Cardiovascular phenotype. Last evaluated: 2020-10-14. Review status: criteria provided, single submitter. Criteria: Ambry Variant Classification Scheme 2023. Collection method: clinical testing. Allele origin: germline.
Comment: The p.D310N variant (also known as c.928G>A), located in coding exon 11 of the TXNRD2 gene, results from a G to A substitution at nucleotide position 928. The aspartic acid at codon 310 is replaced by asparagine, an amino acid with highly similar properties. This amino acid position is not well conserved in available vertebrate species, and asparagine is the reference amino acid in other vertebrate species. In addition, this alteration is predicted to be tolerated by in silico analysis. Since supporting evidence is limited at this time, the clinical significance of this alteration remains unclear.